The following is an entry in ClinVar:

ClinVar aggregate classification (germline): Likely benign. Review status: criteria provided, single submitter (1 of 4 stars). 2 submissions from 2 submitters: Likely benign (1). 1 of the submissions does not count toward it. Last evaluated 2024-04-23.

Conditions:
Charcot-Marie-Tooth disease type 4. Also called: Charcot-Marie-Tooth, Type 4; Charcot-Marie-Tooth disease, type IV. Identifiers: Orphanet 64749, MedGen C4082197, MONDO:0018995.
FIG4-related disorder. Also called: FIG4-related disorders; FIG4-related condition.

Allele frequency attached by ClinVar (database versions not stated): ExAC 0.00002; gnomAD exomes 0.00002 and 0.00004; gnomAD 0.00003; ESP Exome Variant Server 0.00008; TOPMed 0.00008.
gnomAD v4.1: 41 of 1,609,516 alleles (0.0025%); highest among the groups gnomAD compares: African/African-American, 0.0067%; 1 homozygote.

Submissions (2):

Labcorp Genetics (formerly Invitae), Labcorp
Classification: Likely benign for Charcot-Marie-Tooth disease type 4. Last evaluated: 2024-04-23. Review status: criteria provided, single submitter. Criteria: Invitae Variant Classification Sherloc (09022015). Collection method: clinical testing. Allele origin: germline.

PreventionGenetics, part of Exact Sciences
Classification: Likely benign for FIG4-related condition. Last evaluated: 2019-06-05. Review status: no assertion criteria provided. Collection method: clinical testing. Allele origin: germline. Not counted in ClinVar's aggregate classification.
Comment: This variant is classified as likely benign based on ACMG/AMP sequence variant interpretation guidelines (Richards et al. 2015 PMID: 25741868, with internal and published modifications).

NM_014845.6(FIG4):c.351G>A (p.Ala117=)

Gene: FIG4 (FIG4 phosphoinositide 5-phosphatase; plus strand). Cytogenetic location: 6q21.
Variant type: single nucleotide variant.
Coding change: c.351G>A on transcript NM_014845.6 (MANE Select); coding-DNA position 351, G replaced by A.
Protein change: p.Ala117=; no amino-acid change (alanine 117 retained).
Molecular consequence: synonymous variant.
Genome position (GRCh38, 1-based): chr6:109,727,170, G>A. VCF-style: chr6-109727170-G-A. GRCh37 (hg19) VCF-style: chr6-110048373-G-A.
Identifiers: ClinVar variation 696333 (VCV000696333.11), dbSNP rs375963892, ClinGen allele CA3955750.
Genomic context (GRCh38, chr6:109,727,170, plus strand): 5'-TTTTGTCAGGTTCTTAGAAGGCTATTATATTGTGTTAATAACTAAAAGGAGGAAGATGGC[G>A]GATATTGGAGGTCATGCAATCTATAAGGTCGAAGATACAAATATGATCTATATACCCAAT-3'
Protein context (NP_055660.1, residues 107-127): IVLITKRRKM[Ala117=]DIGGHAIYKV